The following is an entry in ClinVar:

ClinVar aggregate classification (germline): Uncertain significance (1 of 4 stars; one submission).

Allele frequency attached by ClinVar (database versions not stated): gnomAD exomes below 0.00001; TOPMed below 0.00001.
gnomAD v4.1: 4 of 1,612,752 alleles (0.00025%); highest among the groups gnomAD compares: Admixed American, 0.0017%; no homozygotes.

Submission:

Labcorp Genetics (formerly Invitae), Labcorp
Classification: Uncertain significance. Last evaluated: 2022-08-09. Review status: criteria provided, single submitter. Criteria: Invitae Variant Classification Sherloc (09022015). Collection method: clinical testing. Allele origin: germline.
Comment: In summary, the available evidence is currently insufficient to determine the role of this variant in disease. Therefore, it has been classified as a Variant of Uncertain Significance. Algorithms developed to predict the effect of missense changes on protein structure and function are either unavailable or do not agree on the potential impact of this missense change (SIFT: "Not Available"; PolyPhen-2: "Possibly Damaging"; Align-GVGD: "Not Available"). ClinVar contains an entry for this variant (Variation ID: 1505388). This variant has not been reported in the literature in individuals affected with GATAD2B-related conditions. This variant is not present in population databases (gnomAD no frequency). This sequence change replaces arginine, which is basic and polar, with tryptophan, which is neutral and slightly polar, at codon 228 of the GATAD2B protein (p.Arg228Trp).

NM_020699.4(GATAD2B):c.682C>T (p.Arg228Trp)

Gene: GATAD2B (GATA zinc finger domain containing 2B; minus strand). Cytogenetic location: 1q21.3.
Variant type: single nucleotide variant.
Coding change: c.682C>T on transcript NM_020699.4 (MANE Select); coding-DNA position 682, C replaced by T.
Protein change: p.Arg228Trp; replaces arginine 228 with tryptophan.
Molecular consequence: missense variant.
Genome position (GRCh38, 1-based): chr1:153,818,087, G>A on the plus strand (C>T on the coding strand, the complement: GATAD2B is on the minus strand). VCF-style: chr1-153818087-G-A. GRCh37 (hg19) VCF-style: chr1-153790563-G-A.
Other names: short protein forms R228W.
Identifiers: ClinVar variation 1505388 (VCV001505388.8), dbSNP rs1674545710, ClinGen allele CA342531749.
Genomic context (GRCh38, chr1:153,818,087, plus strand): 5'-ATGGGTCACATACCTGTAATGTTCTCAAATTTTGAGGTTCAACCCCTTGGGCCCCAGGCC[G>A]AGAGGGAAGCTTAGATAGGCCCTGCTGTCCCACATGGGCAGGAGATGGCTGAACAATAGA-3'
Protein context (NP_065750.1, residues 218-238): GQQGLSKLPS[Arg228Trp]PGAQGVEPQN